The following is an entry in ClinVar:

ClinVar aggregate classification (germline): Pathogenic. Review status: criteria provided, single submitter (1 of 4 stars). 2 submissions from 2 submitters: Pathogenic (1). 1 of the submissions does not count toward it. Last evaluated 2025-05-19.

Conditions:
Pyruvate kinase deficiency of red cells (CNSHA2). Also called: PK DEFICIENCY; PYRUVATE KINASE DEFICIENCY OF ERYTHROCYTE; Pyruvate kinase deficiency, Amish type. Identifiers: Orphanet 766, MedGen C0340968, MONDO:0009950, OMIM 266200.

Allele frequency attached by ClinVar (database versions not stated): ExAC 0.00001; gnomAD exomes 0.00001.

Submissions (2):

Labcorp Genetics (formerly Invitae), Labcorp
Classification: Pathogenic. Last evaluated: 2025-05-19. Review status: criteria provided, single submitter. Criteria: Invitae Variant Classification Sherloc (09022015). Collection method: clinical testing. Allele origin: germline.
Comment: This sequence change creates a premature translational stop signal (p.Glu440*) in the PKLR gene. It is expected to result in an absent or disrupted protein product. Loss-of-function variants in PKLR are known to be pathogenic (PMID: 15953013, 26832193). This variant is present in population databases (rs771145576, gnomAD 0.002%). This premature translational stop signal has been observed in individual(s) with pyruvate kinase deficiency (PMID: 15491302). ClinVar contains an entry for this variant (Variation ID: 1516). For these reasons, this variant has been classified as Pathogenic.

OMIM
Classification: Pathogenic for ANEMIA, CONGENITAL, NONSPHEROCYTIC HEMOLYTIC, 2. Last evaluated: 2004-11-01. Review status: no assertion criteria provided. Collection method: literature only. Allele origin: germline. Not counted in ClinVar's aggregate classification.

Literature cited by the submitters: PubMed 15953013 (cited by Labcorp Genetics (formerly Invitae), Labcorp); PubMed 26832193 (cited by Labcorp Genetics (formerly Invitae), Labcorp); PubMed 15491302 (cited by Labcorp Genetics (formerly Invitae), Labcorp and OMIM).

NM_000298.6(PKLR):c.1318G>T (p.Glu440Ter)

Gene: PKLR (pyruvate kinase L/R; minus strand). Cytogenetic location: 1q22.
Variant type: single nucleotide variant.
Coding change: c.1318G>T on transcript NM_000298.6 (MANE Select); coding-DNA position 1318, G replaced by T.
Protein change: p.Glu440Ter; replaces glutamic acid 440 with a stop codon.
Molecular consequence: nonsense.
Genome position (GRCh38, 1-based): chr1:155,293,295, C>A on the plus strand (G>T on the coding strand, the complement: PKLR is on the minus strand). VCF-style: chr1-155293295-C-A. GRCh37 (hg19) VCF-style: chr1-155263086-C-A.
Other names: 1318G-T; c.1318G>T, p.Glu440Ter (LRG_1136t1); c.1225G>T, p.Glu409Ter (NM_181871.4); short protein forms E440*, E409*.
Identifiers: ClinVar variation 1516 (VCV000001516.10), dbSNP rs771145576, ClinGen allele CA1144039.
Genomic context (GRCh38, chr1:155,293,295, plus strand): 5'-CAGCACCAATGGCGGTGACCTCAGTGGGATCACGGCTTAGTGGCGCTGCCCGACGTAGCT[C>A]CTCAAACAGCTGCCGGTGGTACACTGCGGCCTCTGCCTCCCGGGCAATCTGCAGGTGCCA-3'